The following is an entry in ClinVar:

ClinVar aggregate classification (germline): Uncertain significance. Review status: criteria provided, single submitter (1 of 4 stars). 2 submissions from 2 submitters: Uncertain significance (1). 1 of the submissions does not count toward it. Last evaluated 2024-08-28.

Conditions:
CYP7A1-related disorder. Also called: CYP7A1-related condition.

Allele frequency attached by ClinVar (database versions not stated): gnomAD 0.00001; ExAC 0.00002; gnomAD exomes 0.00002; TOPMed 0.00002.
gnomAD v4.1: 25 of 1,599,334 alleles (0.0016%); highest among the groups gnomAD compares: East Asian, 0.0022%; no homozygotes.

Submissions (2):

Ambry Genetics
Classification: Uncertain significance. Last evaluated: 2024-08-28. Review status: criteria provided, single submitter. Criteria: Ambry Variant Classification Scheme 2023. Collection method: clinical testing. Allele origin: germline.

PreventionGenetics, part of Exact Sciences
Classification: Uncertain significance for CYP7A1-related condition. Last evaluated: 2023-10-18. Review status: no assertion criteria provided. Collection method: clinical testing. Allele origin: germline. Not counted in ClinVar's aggregate classification.
Comment: The CYP7A1 c.347C>T variant is predicted to result in the amino acid substitution p.Pro116Leu. To our knowledge, this variant has not been reported in the literature. This variant is reported in 0.0055% of alleles in individuals of East Asian descent in gnomAD. At this time, the clinical significance of this variant is uncertain due to the absence of conclusive functional and genetic evidence.

NM_000780.4(CYP7A1):c.347C>T (p.Pro116Leu)

Gene: CYP7A1 (cytochrome P450 family 7 subfamily A member 1; minus strand). Cytogenetic location: 8q12.1.
Variant type: single nucleotide variant.
Coding change: c.347C>T on transcript NM_000780.4 (MANE Select); coding-DNA position 347, C replaced by T.
Protein change: p.Pro116Leu; replaces proline 116 with leucine.
Molecular consequence: missense variant.
Genome position (GRCh38, 1-based): chr8:58,497,165, G>A on the plus strand (C>T on the coding strand, the complement: CYP7A1 is on the minus strand). VCF-style: chr8-58497165-G-A. GRCh37 (hg19) VCF-style: chr8-59409724-G-A.
Other names: short protein forms P116L.
Identifiers: ClinVar variation 3029089 (VCV003029089.3), dbSNP rs760194463, ClinGen allele CA4756812.